The following is an entry in ClinVar:

NM_001365951.3(KIF1B):c.2729C>T (p.Ser910Phe)

Genes: KIF1B (kinesin family member 1B; plus strand), LOC126805614 (BRD4-independent group 4 enhancer GRCh37_chr1:10385546-10386745; plus strand). Cytogenetic location: 1p36.22.
Variant type: single nucleotide variant.
Coding change: c.2729C>T on transcript NM_001365951.3 (MANE Select); coding-DNA position 2729, C replaced by T.
Protein change: p.Ser910Phe; replaces serine 910 with phenylalanine.
Molecular consequence: missense variant.
Genome position (GRCh38, 1-based): chr1:10,326,164, C>T. VCF-style: chr1-10326164-C-T. GRCh37 (hg19) VCF-style: chr1-10386222-C-T.
Other names: c.2729C>T, p.Ser910Phe (NM_001365952.1); c.2591C>T, p.Ser864Phe (NM_015074.3); short protein forms S864F, S910F.
Identifiers: ClinVar variation 3226405 (VCV003226405.1), dbSNP rs2521639134, ClinGen allele CA338336935.
Genomic context (GRCh38, chr1:10,326,164, plus strand): 5'-TGTCTAGCTCCCCCATTTTCCACGGCTGTGTGAACGAGCGCCTTGCCGACCGCACACCCT[C>T]CCCCACTTTTTCCACGGCCGATTCCGACATCACTGAGCTGGCTGACGAGCAGCAAGATGA-3'
Protein context (NP_001352880.1, residues 900-920): VNERLADRTP[Ser910Phe]PTFSTADSDI

ClinVar aggregate classification (germline): Uncertain significance (1 of 4 stars; one submission).

Allele frequency attached by ClinVar (database versions not stated): gnomAD exomes below 0.00001.
gnomAD v4.1: 1 of 1,614,166 alleles (0.000062%); no homozygotes.

Submission:

Ambry Genetics
Classification: Uncertain significance. Last evaluated: 2023-10-25. Review status: criteria provided, single submitter. Criteria: Ambry Variant Classification Scheme 2023. Collection method: clinical testing. Allele origin: germline.
Comment: The p.S864F variant (also known as c.2591C>T), located in coding exon 24 of the KIF1B gene, results from a C to T substitution at nucleotide position 2591. The serine at codon 864 is replaced by phenylalanine, an amino acid with highly dissimilar properties. This amino acid position is conserved. In addition, this alteration is predicted to be deleterious by in silico analysis. Since supporting evidence is limited at this time, the clinical significance of this alteration remains unclear.